The following is an entry in ClinVar:

ClinVar aggregate classification (germline): Uncertain significance (1 of 4 stars; one submission).

gnomAD v4.1: 1 of 1,610,992 alleles (0.000062%); highest among the groups gnomAD compares: Non-Finnish European, 0.000085%; no homozygotes.

Submission:

Greenwood Genetic Center Diagnostic Laboratories, Greenwood Genetic Center
Classification: Uncertain significance. Last evaluated: 2025-12-16. Review status: criteria provided, single submitter. Criteria: ACMG Guidelines, 2015. Collection method: clinical testing. Allele origin: germline. Affected: yes.
Comment: PM2, PP2

NM_001348323.3(TRIP12):c.5222G>A (p.Gly1741Glu)

Gene: TRIP12 (thyroid hormone receptor interactor 12; minus strand). Cytogenetic location: 2q36.3.
Variant type: single nucleotide variant.
Coding change: c.5222G>A on transcript NM_001348323.3 (MANE Select); coding-DNA position 5222, G replaced by A.
Protein change: p.Gly1741Glu; replaces glycine 1741 with glutamic acid.
Molecular consequence: missense variant.
Genome position (GRCh38, 1-based): chr2:229,778,575, C>T on the plus strand (G>A on the coding strand, the complement: TRIP12 is on the minus strand). VCF-style: chr2-229778575-C-T. GRCh37 (hg19) VCF-style: chr2-230643291-C-T.
Other names: c.5141G>A, p.Gly1714Glu (NM_001284214.2, NM_001348315.2); c.5096G>A, p.Gly1699Glu (NM_001284215.2, NM_001348316.2); c.4187G>A, p.Gly1396Glu (NM_001284216.2); c.5081G>A, p.Gly1694Glu (NM_001348317.1, NM_001348318.2); c.5207G>A, p.Gly1736Glu (NM_001348319.1, NM_001348320.2); c.5210G>A, p.Gly1737Glu (NM_001348321.1); c.5222G>A, p.Gly1741Glu (NM_001348322.1, NM_001348324.2, NM_001348325.2 and 2 more transcripts); c.5225G>A, p.Gly1742Glu (NM_001348328.1, NM_001348329.2, NM_001348330.2); and 4 more; short protein forms G1396E, G1666E, G1667E, G1694E, G1699E, G1707E, G1714E, G1715E.
Identifiers: ClinVar variation 4845538 (VCV004845538.1).